The following is an entry in ClinVar:

NM_006218.4(PIK3CA):c.327A>C (p.Glu109Asp)

Gene: PIK3CA (phosphatidylinositol-4,5-bisphosphate 3-kinase catalytic subunit alpha; plus strand). Cytogenetic location: 3q26.32.
Variant type: single nucleotide variant.
Coding change: c.327A>C on transcript NM_006218.4 (MANE Select); coding-DNA position 327, A replaced by C.
Protein change: p.Glu109Asp; replaces glutamic acid 109 with aspartic acid.
Molecular consequence: missense variant.
Genome position (GRCh38, 1-based): chr3:179,199,152, A>C. VCF-style: chr3-179199152-A-C. GRCh37 (hg19) VCF-style: chr3-178916940-A-C.
Other names: c.327A>C (LRG_310t1); short protein forms E109D.
Identifiers: ClinVar variation 403917 (VCV000403917.9), dbSNP rs1060500031, ClinGen allele CA16611285.

ClinVar aggregate classification (germline): Uncertain significance (1 of 4 stars; one submission).

Conditions:
Cowden syndrome (CS). Also called: Cowden's disease; Cowden's syndrome; Cowden disease. Identifiers: Orphanet 201, MedGen C0018553, MONDO:0016063. Disease mechanism: gain of function.

Submission:

Labcorp Genetics (formerly Invitae), Labcorp
Classification: Uncertain significance for Cowden syndrome. Last evaluated: 2024-04-22. Review status: criteria provided, single submitter. Criteria: Invitae Variant Classification Sherloc (09022015). Collection method: clinical testing. Allele origin: germline.
Comment: This sequence change replaces glutamic acid, which is acidic and polar, with aspartic acid, which is acidic and polar, at codon 109 of the PIK3CA protein (p.Glu109Asp). This variant is not present in population databases (gnomAD no frequency). This variant has not been reported in the literature in individuals affected with PIK3CA-related conditions. ClinVar contains an entry for this variant (Variation ID: 403917). Advanced modeling of protein sequence and biophysical properties (such as structural, functional, and spatial information, amino acid conservation, physicochemical variation, residue mobility, and thermodynamic stability) has been performed at Invitae for this missense variant, however the output from this modeling did not meet the statistical confidence thresholds required to predict the impact of this variant on PIK3CA protein function. In summary, the available evidence is currently insufficient to determine the role of this variant in disease. Therefore, it has been classified as a Variant of Uncertain Significance.